The following is an entry in ClinVar:

ClinVar aggregate classification (germline): Uncertain significance (1 of 4 stars; one submission).

Conditions:
Epileptic encephalopathy. Identifiers: MedGen C0543888, HP:0200134.

Submission:

Labcorp Genetics (formerly Invitae), Labcorp
Classification: Uncertain significance for Epileptic encephalopathy. Last evaluated: 2022-08-22. Review status: criteria provided, single submitter. Criteria: Invitae Variant Classification Sherloc (09022015). Collection method: clinical testing. Allele origin: germline.
Comment: In summary, the available evidence is currently insufficient to determine the role of this variant in disease. Therefore, it has been classified as a Variant of Uncertain Significance. Algorithms developed to predict the effect of sequence changes on RNA splicing suggest that this variant may disrupt the consensus splice site. This variant has not been reported in the literature in individuals affected with FASN-related conditions. This variant is not present in population databases (gnomAD no frequency). This sequence change affects codon 2275 of the FASN mRNA. It is a 'silent' change, meaning that it does not change the encoded amino acid sequence of the FASN protein. It affects a nucleotide within the consensus splice site.

NM_004104.5(FASN):c.6825A>G (p.Arg2275=)

Gene: FASN (fatty acid synthase; minus strand). Cytogenetic location: 17q25.3.
Variant type: single nucleotide variant.
Coding change: c.6825A>G on transcript NM_004104.5 (MANE Select); coding-DNA position 6825, A replaced by G.
Protein change: p.Arg2275=; no amino-acid change (arginine 2275 retained).
Molecular consequence: synonymous variant.
Genome position (GRCh38, 1-based): chr17:82,080,693, T>C on the plus strand (A>G on the coding strand, the complement: FASN is on the minus strand). VCF-style: chr17-82080693-T-C. GRCh37 (hg19) VCF-style: chr17-80038569-T-C.
Identifiers: ClinVar variation 2025484 (VCV002025484.4), dbSNP rs2509827607, ClinGen allele CA502429969.